The following is an entry in ClinVar:

NM_000179.3(MSH6):c.3344T>C (p.Ile1115Thr)

Gene: MSH6 (mutS homolog 6; plus strand). Cytogenetic location: 2p16.3.
Variant type: single nucleotide variant.
Coding change: c.3344T>C on transcript NM_000179.3 (MANE Select); coding-DNA position 3344, T replaced by C.
Protein change: p.Ile1115Thr; replaces isoleucine 1115 with threonine.
Molecular consequence: missense variant.
Genome position (GRCh38, 1-based): chr2:47,803,591, T>C. VCF-style: chr2-47803591-T-C. GRCh37 (hg19) VCF-style: chr2-48030730-T-C.
Other names: c.2954T>C, p.Ile985Thr (NM_001281492.2); c.2438T>C, p.Ile813Thr (NM_001281493.2, NM_001281494.2); short protein forms I1115T, I813T, I985T.
Identifiers: ClinVar variation 455250 (VCV000455250.23), dbSNP rs747959862, ClinGen allele CA070687.

ClinVar aggregate classification (germline): Uncertain significance. Review status: criteria provided, multiple submitters, no conflicts (2 of 4 stars). 5 submissions from 5 submitters: Uncertain significance (5). Last evaluated 2025-06-25.

Conditions:
Endometrial carcinoma. Also called: Endometrial carcinoma, somatic. Identifiers: MedGen C0476089, MONDO:0002447, OMIM 608089, HP:0012114.
Lynch syndrome 5 (LYNCH5). Also called: Hereditary non-polyposis colorectal cancer, type 5; Colorectal cancer, hereditary nonpolyposis, type 5. Identifiers: Orphanet 144, MedGen C1833477, MONDO:0013710, OMIM 614350. Disease mechanism: loss of function.
Mismatch repair cancer syndrome 3. Identifiers: MedGen C5436807, MONDO:0030841, OMIM 619097.
Hereditary nonpolyposis colorectal neoplasms. Identifiers: MedGen C0009405, MeSH D003123.
Hereditary cancer-predisposing syndrome. Also called: Hereditary Cancer Syndrome; Hereditary neoplastic syndrome; Neoplastic Syndromes, Hereditary; Tumor predisposition. Identifiers: Orphanet 140162, MedGen C0027672, MeSH D009386, MONDO:0015356.

Allele frequency attached by ClinVar (database versions not stated): gnomAD exomes below 0.00001; ExAC 0.00001.
gnomAD v4.1: 1 of 1,614,176 alleles (0.000062%); no homozygotes.

Submissions (5):

Ambry Genetics
Classification: Uncertain significance for Hereditary cancer-predisposing syndrome. Last evaluated: 2025-06-25. Review status: criteria provided, single submitter. Criteria: Ambry Variant Classification Scheme 2023. Collection method: clinical testing. Allele origin: germline.
Comment: The p.I1115T variant (also known as c.3344T>C), located in coding exon 5 of the MSH6 gene, results from a T to C substitution at nucleotide position 3344. The isoleucine at codon 1115 is replaced by threonine, an amino acid with similar properties. This alteration was reported in an individual with colorectal cancer (Gir&aacute;ldez MD et al. Clin. Cancer Res., 2010 Nov;16:5402-13). This amino acid position is highly conserved in available vertebrate species. In addition, this alteration is predicted to be deleterious by in silico analysis. Based on the available evidence, the clinical significance of this variant remains unclear.

Labcorp Genetics (formerly Invitae), Labcorp
Classification: Uncertain significance for Hereditary nonpolyposis colorectal neoplasms. Last evaluated: 2024-07-18. Review status: criteria provided, single submitter. Criteria: Invitae Variant Classification Sherloc (09022015). Collection method: clinical testing. Allele origin: germline.
Comment: This sequence change replaces isoleucine, which is neutral and non-polar, with threonine, which is neutral and polar, at codon 1115 of the MSH6 protein (p.Ile1115Thr). This variant is present in population databases (rs747959862, gnomAD 0.0009%). This missense change has been observed in individual(s) with colorectal cancer (PMID: 20924129). ClinVar contains an entry for this variant (Variation ID: 455250). An algorithm developed specifically for the MSH6 gene suggests that this missense change is likely to be deleterious (PMID: 23621914). In summary, the available evidence is currently insufficient to determine the role of this variant in disease. Therefore, it has been classified as a Variant of Uncertain Significance.

Fulgent Genetics
Classification: Uncertain significance for Endometrial carcinoma; Lynch syndrome 5; Mismatch repair cancer syndrome 3. Last evaluated: 2024-03-26. Review status: criteria provided, single submitter. Criteria: ACMG Guidelines, 2015. Collection method: clinical testing. Allele origin: germline.

GeneDx
Classification: Uncertain significance. Last evaluated: 2019-10-09. Review status: criteria provided, single submitter. Criteria: GeneDx Variant Classification Process June 2021. Collection method: clinical testing. Allele origin: germline. Affected: yes.
Comment: Not observed at a significant frequency in large population cohorts (Lek 2016); In silico analysis, which includes protein predictors and evolutionary conservation, supports a deleterious effect; Observed in an individual with early-onset colorectal cancer whose tumor displayed absence of MSH6 protein expression (Girldez 2010); This variant is associated with the following publications: (PMID: 26269718, 23621914, 20924129)

Color Diagnostics, LLC DBA Color Health
Classification: Uncertain significance for Hereditary cancer-predisposing syndrome. Last evaluated: 2019-08-23. Review status: criteria provided, single submitter. Criteria: ACMG Guidelines, 2015. Collection method: clinical testing. Allele origin: germline.
Comment: This missense variant replaces isoleucine with threonine at codon 1115 of the MSH6 protein. Computational prediction tools and conservation analyses are inconclusive regarding the impact of this variant on protein structure and function. Splice site prediction tools suggest that this variant may not impact RNA splicing. This variant has been reported in one individual affected with colorectal cancer (PMID: 20924129). This variant has been identified in 1/251372 chromosomes in the general population by the Genome Aggregation Database (gnomAD). The available evidence is insufficient to determine the role of this variant in disease conclusively. Therefore, this variant is classified as a Variant of Uncertain Significance.

Literature cited by the submitters: PubMed 20924129 (cited by Ambry Genetics and Labcorp Genetics (formerly Invitae), Labcorp); PubMed 23621914 (cited by Labcorp Genetics (formerly Invitae), Labcorp).